The following is an entry in ClinVar:

ClinVar aggregate classification (germline): Likely benign (1 of 4 stars; one submission).

gnomAD v4.1: 6 of 1,417,186 alleles (0.00042%); highest among the groups gnomAD compares: Non-Finnish European, 0.00037%; no homozygotes.

Submission:

CeGaT Center for Human Genetics Tuebingen
Classification: Likely benign. Last evaluated: 2026-07-01. Review status: criteria provided, single submitter. Criteria: CeGaT Center For Human Genetics Tuebingen Variant Classification Criteria Version 2. Collection method: clinical testing. Allele origin: germline. Affected: yes. Observed: 1 variant allele.
Comment: GABRB3: BP4, BS1

NM_000814.6(GABRB3):c.-5G>T

Gene: GABRB3 (gamma-aminobutyric acid type A receptor subunit beta3; minus strand). Cytogenetic location: 15q12.
Variant type: single nucleotide variant.
Coding change: c.-5G>T on transcript NM_000814.6 (MANE Select); 5 bases upstream of the start codon, G replaced by T.
Molecular consequence: 5 prime UTR variant. On other transcripts: intron variant (1).
Genome position (GRCh38, 1-based): chr15:26,772,967, C>A on the plus strand (G>T on the coding strand, the complement: GABRB3 is on the minus strand). VCF-style: chr15-26772967-C-A. GRCh37 (hg19) VCF-style: chr15-27018114-C-A.
Other names: c.-356G>T (NM_001278631.2); c.81-195G>T (NM_021912.5).
Identifiers: ClinVar variation 5040037 (VCV005040037.1).
Genomic context (GRCh38, chr15:26,772,967, plus strand): 5'-ACCAGCACCGGGGCCGAGAAGATGCCGAAAAGCCTTCCTCCCGCAAGGCCCCACATCCCT[C>A]CGCCGCGCCCCGGCACGGGGGAGGGGGCGCCCCGCCGCCGTCGCGACCCGCAGCCGGGGC-3'